The following is an entry in ClinVar:

ClinVar aggregate classification (germline): Likely benign (0 of 4 stars; one submission).

Conditions:
CEP290-related disorder. Also called: CEP290-related condition; CEP290-related disorders. Identifiers: MedGen CN239314.

gnomAD v4.1: 4 of 1,606,134 alleles (0.00025%); highest among the groups gnomAD compares: Non-Finnish European, 0.00034%; no homozygotes.

Submission:

PreventionGenetics, part of Exact Sciences
Classification: Likely benign for CEP290-related condition. Last evaluated: 2021-12-20. Review status: no assertion criteria provided. Collection method: clinical testing. Allele origin: germline.
Comment: This variant is classified as likely benign based on ACMG/AMP sequence variant interpretation guidelines (Richards et al. 2015 PMID: 25741868, with internal and published modifications).

NM_025114.4(CEP290):c.5661A>G (p.Gln1887=)

Gene: CEP290 (centrosomal protein 290; minus strand). Cytogenetic location: 12q21.32.
Variant type: single nucleotide variant.
Coding change: c.5661A>G on transcript NM_025114.4 (MANE Select); coding-DNA position 5661, A replaced by G.
Protein change: p.Gln1887=; no amino-acid change (glutamine 1887 retained).
Molecular consequence: synonymous variant.
Genome position (GRCh38, 1-based): chr12:88,077,270, T>C on the plus strand (A>G on the coding strand, the complement: CEP290 is on the minus strand). VCF-style: chr12-88077270-T-C. GRCh37 (hg19) VCF-style: chr12-88471047-T-C.
Identifiers: ClinVar variation 3355413 (VCV003355413.1).
Genomic context (GRCh38, chr12:88,077,270, plus strand): 5'-TTCTTCACATACCTTTTCTTTCATAGGTTTTAGGTCTACTTCCTCCACCTTTCCCTCTAA[T>C]TGGTTCTCTAGTTTTTTAACTTTCCTTTGGAGTTCTTCAATTAGACTTTGTTTATTATCT-3'
Protein context (NP_079390.3, residues 1877-1897): LQRKVKKLEN[Gln1887=]LEGKVEEVDL